The following is an entry in ClinVar:

ClinVar aggregate classification (germline): Uncertain significance (1 of 4 stars; one submission).

Conditions:
Familial adenomatous polyposis 1 (FAP1). Also called: POLYPOSIS, ADENOMATOUS INTESTINAL; FAMILIAL ADENOMATOUS POLYPOSIS 1, ATTENUATED. Identifiers: MedGen C2713442, MONDO:0021056, OMIM 175100. Disease mechanism: loss of function.

Submission:

Labcorp Genetics (formerly Invitae), Labcorp
Classification: Uncertain significance for Familial adenomatous polyposis 1. Last evaluated: 2025-06-01. Review status: criteria provided, single submitter. Criteria: Invitae Variant Classification Sherloc (09022015). Collection method: clinical testing. Allele origin: germline.
Comment: This variant occurs in a non-coding region of the APC gene. It does not change the encoded amino acid sequence of the APC protein. This variant is not present in population databases (gnomAD no frequency). This variant has not been reported in the literature in individuals affected with APC-related conditions. Experimental studies and prediction algorithms are not available or were not evaluated, and the functional significance of this variant is currently unknown. In summary, the available evidence is currently insufficient to determine the role of this variant in disease. Therefore, it has been classified as a Variant of Uncertain Significance.

NM_001127511.3(APC):c.-198C>T

Genes: APC (APC regulator of Wnt signaling pathway; plus strand), LOC129994371 (ATAC-STARR-seq lymphoblastoid active region 22910; plus strand). Cytogenetic location: 5q22.2.
Variant type: single nucleotide variant.
Coding change: c.-198C>T on transcript NM_001127511.3; 198 bases upstream of the start codon, C replaced by T.
Molecular consequence: 5 prime UTR variant. On other transcripts: non-coding transcript variant (2).
Genome position (GRCh38, 1-based): chr5:112,707,520, C>T. VCF-style: chr5-112707520-C-T. GRCh37 (hg19) VCF-style: chr5-112043217-C-T.
Other names: c.-381C>T (NM_001354895.2, NM_001407447.1, NM_001407452.1 and 3 more transcripts); c.-198C>T (NM_001354897.2, NM_001354902.2, NM_001407446.1); c.-148C>T (NM_001407448.1, NM_001407450.1, NM_001407457.1 and 1 more transcripts); c.-172C>T (NM_001407453.1); c.-1416C>T (NM_001407470.1, NM_001407472.1).
Identifiers: ClinVar variation 4720564 (VCV004720564.1).